The following is an entry in ClinVar:

NM_015192.4(PLCB1):c.2559T>G (p.Ser853Arg)

Gene: PLCB1 (phospholipase C beta 1; plus strand). Cytogenetic location: 20p12.3.
Variant type: single nucleotide variant.
Coding change: c.2559T>G on transcript NM_015192.4 (MANE Select); coding-DNA position 2559, T replaced by G.
Protein change: p.Ser853Arg; replaces serine 853 with arginine.
Molecular consequence: missense variant.
Genome position (GRCh38, 1-based): chr20:8,757,081, T>G. VCF-style: chr20-8757081-T-G. GRCh37 (hg19) VCF-style: chr20-8737728-T-G.
Other names: c.2559T>G, p.Ser853Arg (NM_182734.3); c.2559T>G (NM_015192.2); short protein forms S853R.
Identifiers: ClinVar variation 538895 (VCV000538895.12), dbSNP rs753642857, ClinGen allele CA9760312.

ClinVar aggregate classification (germline): Uncertain significance. Review status: criteria provided, multiple submitters, no conflicts (2 of 4 stars). 2 submissions from 2 submitters: Uncertain significance (2). Last evaluated 2022-10-06.

Conditions:
Developmental and epileptic encephalopathy, 12 (DEE12). Identifiers: MedGen C3150988, MONDO:0013389, OMIM 613722.
Inborn genetic diseases. Identifiers: MedGen C0950123, MeSH D030342.

Allele frequency attached by ClinVar (database versions not stated): ExAC 0.00002; gnomAD exomes 0.00002 and 0.00003; TOPMed 0.00001.
gnomAD v4.1: 25 of 1,612,886 alleles (0.0016%); highest among the groups gnomAD compares: Non-Finnish European, 0.002%; no homozygotes.

Submissions (2):

Ambry Genetics
Classification: Uncertain significance for Inborn genetic diseases. Last evaluated: 2022-10-06. Review status: criteria provided, single submitter. Criteria: Ambry Variant Classification Scheme 2023. Collection method: clinical testing. Allele origin: germline.

Labcorp Genetics (formerly Invitae), Labcorp
Classification: Uncertain significance for Developmental and epileptic encephalopathy, 12. Last evaluated: 2022-07-18. Review status: criteria provided, single submitter. Criteria: Invitae Variant Classification Sherloc (09022015). Collection method: clinical testing. Allele origin: germline.
Comment: This sequence change replaces serine, which is neutral and polar, with arginine, which is basic and polar, at codon 853 of the PLCB1 protein (p.Ser853Arg). This variant is present in population databases (rs753642857, gnomAD 0.005%). This variant has not been reported in the literature in individuals affected with PLCB1-related conditions. ClinVar contains an entry for this variant (Variation ID: 538895). Algorithms developed to predict the effect of missense changes on protein structure and function (SIFT, PolyPhen-2, Align-GVGD) all suggest that this variant is likely to be tolerated. In summary, the available evidence is currently insufficient to determine the role of this variant in disease. Therefore, it has been classified as a Variant of Uncertain Significance.